The following is an entry in ClinVar:

NM_001018005.2(TPM1):c.628C>T (p.Gln210Ter)

Gene: TPM1 (tropomyosin 1; plus strand). Cytogenetic location: 15q22.2.
Variant type: single nucleotide variant.
Coding change: c.628C>T on transcript NM_001018005.2 (MANE Select); coding-DNA position 628, C replaced by T.
Protein change: p.Gln210Ter; replaces glutamine 210 with a stop codon.
Molecular consequence: nonsense. On other transcripts: non-coding transcript variant (16), intron variant (21).
Genome position (GRCh38, 1-based): chr15:63,061,777, C>T. VCF-style: chr15-63061777-C-T. GRCh37 (hg19) VCF-style: chr15-63353976-C-T.
Other names: c.640-438C>T (NM_001407336.1, NM_001018020.2, NM_001407326.1 and 10 more transcripts); c.766-438C>T (NM_001407323.1, NM_001407322.1); c.532-438C>T (NM_001330351.2, NM_001330344.2, NM_001365781.2 and 3 more transcripts); c.628C>T, p.Gln210Ter (NM_001018004.2, NM_001018007.2, NM_001301244.2 and 7 more transcripts); c.520C>T, p.Gln174Ter (NM_001018008.2, NM_001301289.2, NM_001330346.2 and 3 more transcripts); c.754C>T, p.Gln252Ter (NM_001365778.1, NM_001407324.1); short protein forms Q174*, Q210*, Q252*.
Identifiers: ClinVar variation 3072395 (VCV003072395.1), dbSNP rs2542831061, ClinGen allele CA392724317.

ClinVar aggregate classification (germline): Uncertain significance (1 of 4 stars; one submission).

Conditions:
Hypertrophic cardiomyopathy. Also called: HYPERTROPHIC MYOCARDIOPATHY. Identifiers: Orphanet 217569, MedGen C0007194, MeSH D002312, MONDO:0005045, HP:0001639.

Submission:

All of Us Research Program, National Institutes of Health
Classification: Uncertain significance for Hypertrophic cardiomyopathy. Last evaluated: 2023-07-10. Review status: criteria provided, single submitter. Criteria: ACMG Guidelines, 2015. Collection method: clinical testing. Allele origin: germline. Inheritance: Autosomal dominant inheritance. Observed: 1 variant allele, 1 heterozygote.
Comment: This variant changes 1 nucleotide in exon 6 of the TPM1 gene, creating a premature translation stop signal. This variant is expected to result in an absent or non-functional protein product. To our knowledge, this variant has not been reported in individuals affected with TPM1-related disorders in the literature. This variant has not been identified in the general population by the Genome Aggregation Database (gnomAD). Clinical relevance of loss-of-function TPM1 truncation variants in autosomal dominant cardiovascular disorders is not clearly established. The available evidence is insufficient to determine the role of this variant in disease conclusively. Therefore, this variant is classified as a Variant of Uncertain Significance.

This study involves interpretation of variants in research participants for the purpose of population health screening. Participant phenotype was not available at the time of variant classification. Additional details can be found in publication PMID: 35346344, PMCID: PMC8962531